The following is an entry in ClinVar:

NM_000170.3(GLDC):c.1274C>T (p.Ala425Val)

Gene: GLDC (glycine decarboxylase; minus strand). Cytogenetic location: 9p24.1.
Variant type: single nucleotide variant.
Coding change: c.1274C>T on transcript NM_000170.3 (MANE Select); coding-DNA position 1274, C replaced by T.
Protein change: p.Ala425Val; replaces alanine 425 with valine.
Molecular consequence: missense variant.
Genome position (GRCh38, 1-based): chr9:6,592,978, G>A on the plus strand (C>T on the coding strand, the complement: GLDC is on the minus strand). VCF-style: chr9-6592978-G-A. GRCh37 (hg19) VCF-style: chr9-6592978-G-A.
Other names: short protein forms A425V.
Identifiers: ClinVar variation 2156802 (VCV002156802.1), dbSNP rs1818407631, ClinGen allele CA372894160.

ClinVar aggregate classification (germline): Uncertain significance (1 of 4 stars; one submission).

Conditions:
Glycine encephalopathy. Also called: Non-ketotic hyperglycinemia; Nonketotic hyperglycinemia. Identifiers: Orphanet 407, MedGen C0751748, MONDO:0011612, HP:0008288.

Allele frequency attached by ClinVar (database versions not stated): gnomAD 0.00001; TOPMed 0.00002.
gnomAD v4.1: 2 of 1,605,912 alleles (0.00012%); highest among the groups gnomAD compares: Admixed American, 0.0034%; no homozygotes.

Submission:

Labcorp Genetics (formerly Invitae), Labcorp
Classification: Uncertain significance for Glycine encephalopathy. Last evaluated: 2022-03-12. Review status: criteria provided, single submitter. Criteria: Invitae Variant Classification Sherloc (09022015). Collection method: clinical testing. Allele origin: germline.
Comment: This sequence change replaces alanine, which is neutral and non-polar, with valine, which is neutral and non-polar, at codon 425 of the GLDC protein (p.Ala425Val). This variant is not present in population databases (gnomAD no frequency). This variant has not been reported in the literature in individuals affected with GLDC-related conditions. Advanced modeling of protein sequence and biophysical properties (such as structural, functional, and spatial information, amino acid conservation, physicochemical variation, residue mobility, and thermodynamic stability) performed at Invitae indicates that this missense variant is not expected to disrupt GLDC protein function. Algorithms developed to predict the effect of sequence changes on RNA splicing suggest that this variant may create or strengthen a splice site. In summary, the available evidence is currently insufficient to determine the role of this variant in disease. Therefore, it has been classified as a Variant of Uncertain Significance.